The following is an entry in ClinVar:

NM_006939.4(SOS2):c.1881C>T (p.Thr627=)

Gene: SOS2 (SOS Ras/Rho guanine nucleotide exchange factor 2; minus strand). Cytogenetic location: 14q21.3.
Variant type: single nucleotide variant.
Coding change: c.1881C>T on transcript NM_006939.4 (MANE Select); coding-DNA position 1881, C replaced by T.
Protein change: p.Thr627=; no amino-acid change (threonine 627 retained).
Molecular consequence: synonymous variant.
Genome position (GRCh38, 1-based): chr14:50,158,618, G>A on the plus strand (C>T on the coding strand, the complement: SOS2 is on the minus strand). VCF-style: chr14-50158618-G-A. GRCh37 (hg19) VCF-style: chr14-50625336-G-A.
Other names: c.1782C>T, p.Thr594= (NM_001411020.1); c.1881C>T (NM_006939.3).
Identifiers: ClinVar variation 1781895 (VCV001781895.6), dbSNP rs749445215, ClinGen allele CA7177217.

ClinVar aggregate classification (germline): Likely benign. Review status: criteria provided, multiple submitters, no conflicts (2 of 4 stars). 4 submissions from 4 submitters: Likely benign (3). 1 of the submissions does not count toward it. Last evaluated 2025-10-15.

Conditions:
Cardiovascular phenotype. Identifiers: MedGen CN230736.
SOS2-related disorder. Also called: SOS2-related condition.
Noonan syndrome 9 (NS9). Identifiers: Orphanet 648, MedGen C4225282, MONDO:0014691, OMIM 616559.

Allele frequency attached by ClinVar (database versions not stated): TOPMed below 0.00001; ExAC 0.00002.
gnomAD v4.1: 25 of 1,608,616 alleles (0.0016%); highest among the groups gnomAD compares: Non-Finnish European, 0.002%; no homozygotes.

Submissions (4):

Labcorp Genetics (formerly Invitae), Labcorp
Classification: Likely benign for Noonan syndrome 9. Last evaluated: 2025-10-15. Review status: criteria provided, single submitter. Criteria: Invitae Variant Classification Sherloc (09022015). Collection method: clinical testing. Allele origin: germline.

Blueprint Genetics
Classification: Likely benign. Last evaluated: 2023-09-15. Review status: criteria provided, single submitter. Criteria: ACMG Guidelines, 2015. Collection method: clinical testing. Allele origin: germline.

Ambry Genetics
Classification: Likely benign for Cardiovascular phenotype. Last evaluated: 2019-11-29. Review status: criteria provided, single submitter. Criteria: Ambry Variant Classification Scheme 2023. Collection method: clinical testing. Allele origin: germline.

PreventionGenetics, part of Exact Sciences
Classification: Likely benign for SOS2-related condition. Last evaluated: 2024-05-13. Review status: no assertion criteria provided. Collection method: clinical testing. Allele origin: germline. Not counted in ClinVar's aggregate classification.
Comment: This variant is classified as likely benign based on ACMG/AMP sequence variant interpretation guidelines (Richards et al. 2015 PMID: 25741868, with internal and published modifications).